The following is an entry in ClinVar:

NM_030665.4(RAI1):c.4978C>T (p.Pro1660Ser)

Gene: RAI1 (retinoic acid induced 1; plus strand). Cytogenetic location: 17p11.2.
Variant type: single nucleotide variant.
Coding change: c.4978C>T on transcript NM_030665.4 (MANE Select); coding-DNA position 4978, C replaced by T.
Protein change: p.Pro1660Ser; replaces proline 1660 with serine.
Molecular consequence: missense variant.
Genome position (GRCh38, 1-based): chr17:17,797,926, C>T. VCF-style: chr17-17797926-C-T. GRCh37 (hg19) VCF-style: chr17-17701240-C-T.
Other names: c.4978C>T (NM_030665.3); short protein forms P1660S.
Identifiers: ClinVar variation 3671076 (VCV003671076.3).

ClinVar aggregate classification (germline): Uncertain significance. Review status: criteria provided, multiple submitters, no conflicts (2 of 4 stars). 2 submissions from 2 submitters: Uncertain significance (2). Last evaluated 2025-11-24.

Conditions:
RAI1-related disorder. Also called: RAI1-related condition.

Submissions (2):

PreventionGenetics, part of Exact Sciences
Classification: Uncertain significance for RAI1-related condition. Last evaluated: 2025-11-24. Review status: criteria provided, single submitter. Criteria: ACMG Guidelines, 2015. Collection method: clinical testing. Allele origin: germline.
Comment: The RAI1 c.4978C>T variant is predicted to result in the amino acid substitution p.Pro1660Ser. To our knowledge, this variant has not been reported in the literature. This variant is reported in 0.011% of alleles in individuals of African descent in gnomAD. Although we suspect that this variant may be benign, at this time, the clinical significance of this variant is uncertain due to the absence of conclusive functional and genetic evidence.

Labcorp Genetics (formerly Invitae), Labcorp
Classification: Uncertain significance. Last evaluated: 2024-06-04. Review status: criteria provided, single submitter. Criteria: Invitae Variant Classification Sherloc (09022015). Collection method: clinical testing. Allele origin: germline.
Comment: This sequence change replaces proline, which is neutral and non-polar, with serine, which is neutral and polar, at codon 1660 of the RAI1 protein (p.Pro1660Ser). This variant is present in population databases (no rsID available, gnomAD 0.01%). This variant has not been reported in the literature in individuals affected with RAI1-related conditions. Advanced modeling of protein sequence and biophysical properties (such as structural, functional, and spatial information, amino acid conservation, physicochemical variation, residue mobility, and thermodynamic stability) performed at Invitae indicates that this missense variant is not expected to disrupt RAI1 protein function with a negative predictive value of 80%. In summary, the available evidence is currently insufficient to determine the role of this variant in disease. Therefore, it has been classified as a Variant of Uncertain Significance.